The following is an entry in ClinVar:

ClinVar aggregate classification (germline): Uncertain significance (1 of 4 stars; one submission).

Allele frequency attached by ClinVar (database versions not stated): TOPMed 0.00001.
gnomAD v4.1: 3 of 1,614,058 alleles (0.00019%); highest among the groups gnomAD compares: Non-Finnish European, 0.00025%; no homozygotes.

Submission:

Labcorp Genetics (formerly Invitae), Labcorp
Classification: Uncertain significance. Last evaluated: 2022-05-06. Review status: criteria provided, single submitter. Criteria: Invitae Variant Classification Sherloc (09022015). Collection method: clinical testing. Allele origin: germline.
Comment: This sequence change falls in intron 4 of the USH1C gene. It does not directly change the encoded amino acid sequence of the USH1C protein. It affects a nucleotide within the consensus splice site. This variant is not present in population databases (gnomAD no frequency). This variant has not been reported in the literature in individuals affected with USH1C-related conditions. Variants that disrupt the consensus splice site are a relatively common cause of aberrant splicing (PMID: 17576681, 9536098). Algorithms developed to predict the effect of sequence changes on RNA splicing suggest that this variant is not likely to affect RNA splicing. In summary, the available evidence is currently insufficient to determine the role of this variant in disease. Therefore, it has been classified as a Variant of Uncertain Significance.

Literature cited by the submitters: PubMed 17576681; PubMed 9536098.

NM_153676.4(USH1C):c.387+5G>C

Gene: USH1C (USH1 protein network component harmonin; minus strand). Cytogenetic location: 11p15.1.
Variant type: single nucleotide variant.
Coding change: c.387+5G>C on transcript NM_153676.4 (MANE Select); 5 bases into the intron after coding-DNA position 387, G replaced by C.
Molecular consequence: intron variant.
Genome position (GRCh38, 1-based): chr11:17,531,149, C>G on the plus strand (G>C on the coding strand, the complement: USH1C is on the minus strand). VCF-style: chr11-17531149-C-G. GRCh37 (hg19) VCF-style: chr11-17552696-C-G.
Other names: c.387+5G>C (NM_001297764.2, NM_005709.4).
Identifiers: ClinVar variation 2134601 (VCV002134601.1), dbSNP rs1850950662, ClinGen allele CA1955180397.